The following is an entry in ClinVar:

ClinVar aggregate classification (germline): Uncertain significance (1 of 4 stars; one submission).

Submission:

GeneDx
Classification: Uncertain significance. Last evaluated: 2024-02-14. Review status: criteria provided, single submitter. Criteria: GeneDx Variant Classification Process June 2021. Collection method: clinical testing. Allele origin: germline. Affected: yes.
Comment: Not observed at significant frequency in large population cohorts (gnomAD); In silico analysis supports that this missense variant has a deleterious effect on protein structure/function; Has not been previously published as pathogenic or benign to our knowledge

NM_001349798.2(FBXW7):c.1381A>G (p.Thr461Ala)

Gene: FBXW7 (F-box and WD repeat domain containing 7; minus strand). Cytogenetic location: 4q31.3.
Variant type: single nucleotide variant.
Coding change: c.1381A>G on transcript NM_001349798.2 (MANE Select); coding-DNA position 1381, A replaced by G.
Protein change: p.Thr461Ala; replaces threonine 461 with alanine.
Molecular consequence: missense variant.
Genome position (GRCh38, 1-based): chr4:152,328,245, T>C on the plus strand (A>G on the coding strand, the complement: FBXW7 is on the minus strand). VCF-style: chr4-152328245-T-C. GRCh37 (hg19) VCF-style: chr4-153249397-T-C.
Other names: c.1027A>G, p.Thr343Ala (NM_001013415.2); c.1141A>G, p.Thr381Ala (NM_018315.5); c.1381A>G, p.Thr461Ala (NM_033632.3); short protein forms T343A, T381A, T461A.
Identifiers: ClinVar variation 3369097 (VCV003369097.1).